The following is an entry in ClinVar:

NM_001130823.3(DNMT1):c.2816A>G (p.Tyr939Cys)

Gene: DNMT1 (DNA methyltransferase 1; minus strand). Cytogenetic location: 19p13.2.
Variant type: single nucleotide variant.
Coding change: c.2816A>G on transcript NM_001130823.3 (MANE Select); coding-DNA position 2816, A replaced by G.
Protein change: p.Tyr939Cys; replaces tyrosine 939 with cysteine.
Molecular consequence: missense variant.
Genome position (GRCh38, 1-based): chr19:10,146,429, T>C on the plus strand (A>G on the coding strand, the complement: DNMT1 is on the minus strand). VCF-style: chr19-10146429-T-C. GRCh37 (hg19) VCF-style: chr19-10257105-T-C.
Other names: c.2768A>G, p.Tyr923Cys (NM_001318730.2, NM_001379.4); c.2453A>G, p.Tyr818Cys (NM_001318731.2); short protein forms Y923C, Y818C, Y939C.
Identifiers: ClinVar variation 1795759 (VCV001795759.2), dbSNP rs1389160994, ClinGen allele CA403976250.

ClinVar aggregate classification (germline): Uncertain significance (1 of 4 stars; one submission).

Conditions:
Inborn genetic diseases. Identifiers: MedGen C0950123, MeSH D030342.

gnomAD v4.1: 2 of 1,614,054 alleles (0.00012%); highest among the groups gnomAD compares: Non-Finnish European, 0.00017%; no homozygotes.

Submission:

Ambry Genetics
Classification: Uncertain significance for Inborn genetic diseases. Last evaluated: 2019-11-28. Review status: criteria provided, single submitter. Criteria: Ambry Variant Classification Scheme 2023. Collection method: clinical testing. Allele origin: germline.
Comment: The p.Y923C variant (also known as c.2768A>G), located in coding exon 27 of the DNMT1 gene, results from an A to G substitution at nucleotide position 2768. The tyrosine at codon 923 is replaced by cysteine, an amino acid with highly dissimilar properties. This amino acid position is well conserved in available vertebrate species; however, cysteine is the reference amino acid in other vertebrate species. In addition, this alteration is predicted to be tolerated by in silico analysis. Since supporting evidence is limited at this time, the clinical significance of this alteration remains unclear.